The following is an entry in ClinVar:

NM_032588.4(TRIM63):c.832-8C>G

Gene: TRIM63 (tripartite motif containing 63; minus strand). Cytogenetic location: 1p36.11.
Variant type: single nucleotide variant.
Coding change: c.832-8C>G on transcript NM_032588.4 (MANE Select); 8 bases into the intron before coding-DNA position 832, C replaced by G.
Molecular consequence: intron variant.
Genome position (GRCh38, 1-based): chr1:26,057,658, G>C on the plus strand (C>G on the coding strand, the complement: TRIM63 is on the minus strand). VCF-style: chr1-26057658-G-C. GRCh37 (hg19) VCF-style: chr1-26384149-G-C.
Identifiers: ClinVar variation 4979502 (VCV004979502.1).

ClinVar aggregate classification (germline): Likely benign (1 of 4 stars; one submission).

Conditions:
TRIM63-related disorder. Also called: TRIM63-related condition.

gnomAD v4.1: 47 of 1,607,956 alleles (0.0029%); highest among the groups gnomAD compares: African/African-American, 0.056%; no homozygotes.

Submission:

PreventionGenetics, part of Exact Sciences
Classification: Likely benign for TRIM63-related condition. Last evaluated: 2026-01-15. Review status: criteria provided, single submitter. Criteria: ACMG Guidelines, 2015. Collection method: clinical testing. Allele origin: germline.
Comment: This variant is classified as likely benign based on ACMG/AMP sequence variant interpretation guidelines (Richards et al. 2015 PMID: 25741868, with internal and published modifications).